The following is an entry in ClinVar:

NM_000268.4(NF2):c.956A>G (p.Gln319Arg)

Gene: NF2 (NF2, moesin-ezrin-radixin like (MERLIN) tumor suppressor; plus strand). Cytogenetic location: 22q12.2.
Variant type: single nucleotide variant.
Coding change: c.956A>G on transcript NM_000268.4 (MANE Select); coding-DNA position 956, A replaced by G.
Protein change: p.Gln319Arg; replaces glutamine 319 with arginine.
Molecular consequence: missense variant. On other transcripts: non-coding transcript variant (1), intron variant (1).
Genome position (GRCh38, 1-based): chr22:29,668,403, A>G. VCF-style: chr22-29668403-A-G. GRCh37 (hg19) VCF-style: chr22-30064392-A-G.
Other names: c.956A>G, p.Gln319Arg (NM_016418.5, NM_181825.3, NM_181832.3); c.830A>G, p.Gln277Arg (NM_181828.3); c.833A>G, p.Gln278Arg (NM_181829.3); c.707A>G, p.Gln236Arg (NM_181830.3, NM_181831.3); c.447+26118A>G (NM_181833.3); c.956A>G (NM_000268.3); short protein forms Q236R, Q278R, Q277R, Q319R.
Identifiers: ClinVar variation 3364184 (VCV003364184.1), dbSNP rs2066688442.
Genomic context (GRCh38, chr22:29,668,403, plus strand): 5'-TATGTATCGGGAACCATGATCTATTTATGAGGAGAAGGAAAGCCGATTCTTTGGAAGTTC[A>G]GCAGATGAAAGCCCAGGCCAGGGAGGAGAAGGCTAGAAAGCAGGTGAGCACAACCTTGTT-3'
Protein context (NP_000259.1, residues 309-329): RRRKADSLEV[Gln319Arg]QMKAQAREEK

ClinVar aggregate classification (germline): Uncertain significance (1 of 4 stars; one submission).

Submission:

GeneDx
Classification: Uncertain significance. Last evaluated: 2023-11-09. Review status: criteria provided, single submitter. Criteria: GeneDx Variant Classification Process June 2021. Collection method: clinical testing. Allele origin: germline. Affected: yes.
Comment: Not observed at significant frequency in large population cohorts (gnomAD); In silico analysis supports that this missense variant has a deleterious effect on protein structure/function; Has not been previously published as pathogenic or benign to our knowledge; This variant is associated with the following publications: (PMID: 16324214, 22482125, 17134719)